The following is an entry in ClinVar:

NM_001846.4(COL4A2):c.1528del (p.Glu510fs)

Genes: COL4A2 (collagen type IV alpha 2 chain; plus strand), COL4A2-AS2 (COL4A2 antisense RNA 2; minus strand). Cytogenetic location: 13q34.
Variant type: Deletion.
Coding change: c.1528del on transcript NM_001846.4 (MANE Select); coding-DNA position 1528, one base deleted (G; older notation c.1528delG).
Protein change: p.Glu510fs; shifts the reading frame from glutamic acid 510.
Molecular consequence: frameshift variant.
Genome position (GRCh38, 1-based): chr13:110,458,866, G deleted; the last of 4 consecutive G bases (chr13:110,458,863-110,458,866); deleting any one gives the same sequence. VCF-style (leftmost placement, unchanged base first): chr13-110458862-CG-C. GRCh37 (hg19) VCF-style: chr13-111111209-CG-C.
Other names: short protein forms E510fs.
Identifiers: ClinVar variation 4856834 (VCV004856834.2).

ClinVar aggregate classification (germline): Likely pathogenic (1 of 4 stars; one submission).

Submission:

Dasa
Classification: Likely pathogenic. Last evaluated: 2024-11-14. Review status: criteria provided, single submitter. Criteria: DASA Assertion Criteria. Collection method: clinical testing. Allele origin: germline.
Comment: NM_001846.4(COL4A2):c.1528del (p.Glu510Serfs*61) is a frameshift variant in COL4A2 predicted to alter the reading frame and introduce a premature termination codon and is predicted to result in an absent or altered protein product. Loss of function is an established disease mechanism for COL4A2-associated disorders. Published studies describe this variant in association with related phenotype (PMID: 25719457; PMID: 22333902). Also, this variant is absent from population databases. Based on the currently available evidence, this variant is classified as likely pathogenic.

Literature cited by the submitters: PubMed 25719457; PubMed 22333902.